The following is an entry in ClinVar:

NM_003900.5(SQSTM1):c.82A>G (p.Ser28Gly)

Gene: SQSTM1 (sequestosome 1; plus strand). Cytogenetic location: 5q35.3.
Variant type: single nucleotide variant.
Coding change: c.82A>G on transcript NM_003900.5 (MANE Select); coding-DNA position 82, A replaced by G.
Protein change: p.Ser28Gly; replaces serine 28 with glycine.
Molecular consequence: missense variant. On other transcripts: intron variant (2).
Genome position (GRCh38, 1-based): chr5:179,821,018, A>G. VCF-style: chr5-179821018-A-G. GRCh37 (hg19) VCF-style: chr5-179248018-A-G.
Other names: c.-47-1940A>G (NM_001142298.2, NM_001142299.2); short protein forms S28G.
Identifiers: ClinVar variation 4785236 (VCV004785236.1).

ClinVar aggregate classification (germline): Uncertain significance (1 of 4 stars; one submission).

Conditions:
Frontotemporal dementia and/or amyotrophic lateral sclerosis 1 (FTDALS1). Also called: C9orf72 Frontotemporal Dementia and/or Amyotrophic Lateral Sclerosis; Frontotemporal dementia with motor neuron disease 1. Identifiers: Orphanet 275872, MedGen C5779877, MONDO:0007105, OMIM 105550.
Paget disease of bone 2, early-onset (PDB2). Also called: Paget disease of bone 2. Identifiers: MedGen C4085251, MONDO:0011183, OMIM 602080.

Submission:

Labcorp Genetics (formerly Invitae), Labcorp
Classification: Uncertain significance for Paget disease of bone 2, early-onset; Frontotemporal dementia and/or amyotrophic lateral sclerosis 1. Last evaluated: 2025-06-09. Review status: criteria provided, single submitter. Criteria: Invitae Variant Classification Sherloc (09022015). Collection method: clinical testing. Allele origin: germline.
Comment: This sequence change replaces serine, which is neutral and polar, with glycine, which is neutral and non-polar, at codon 28 of the SQSTM1 protein (p.Ser28Gly). This variant is not present in population databases (gnomAD no frequency). This variant has not been reported in the literature in individuals affected with SQSTM1-related conditions. An algorithm developed to predict the effect of missense changes on protein structure and function (PolyPhen-2) suggests that this variant is likely to be tolerated. In summary, the available evidence is currently insufficient to determine the role of this variant in disease. Therefore, it has been classified as a Variant of Uncertain Significance.